The following is an entry in ClinVar:

NM_004525.3(LRP2):c.4968C>G (p.Tyr1656Ter)

Gene: LRP2 (LDL receptor related protein 2; minus strand). Cytogenetic location: 2q31.1.
Variant type: single nucleotide variant.
Coding change: c.4968C>G on transcript NM_004525.3 (MANE Select); coding-DNA position 4968, C replaced by G.
Protein change: p.Tyr1656Ter; replaces tyrosine 1656 with a stop codon.
Molecular consequence: nonsense.
Genome position (GRCh38, 1-based): chr2:169,233,541, G>C on the plus strand (C>G on the coding strand, the complement: LRP2 is on the minus strand). VCF-style: chr2-169233541-G-C. GRCh37 (hg19) VCF-style: chr2-170090051-G-C.
Other names: short protein forms Y1656*.
Identifiers: ClinVar variation 2734335 (VCV002734335.3), dbSNP rs1339177368, ClinGen allele CA349141406.

ClinVar aggregate classification (germline): Pathogenic (1 of 4 stars; one submission).

Submission:

Labcorp Genetics (formerly Invitae), Labcorp
Classification: Pathogenic. Last evaluated: 2023-12-10. Review status: criteria provided, single submitter. Criteria: Invitae Variant Classification Sherloc (09022015). Collection method: clinical testing. Allele origin: germline.
Comment: This sequence change creates a premature translational stop signal (p.Tyr1656*) in the LRP2 gene. It is expected to result in an absent or disrupted protein product. Loss-of-function variants in LRP2 are known to be pathogenic (PMID: 17632512, 25682901). This variant is not present in population databases (gnomAD no frequency). This premature translational stop signal has been observed in individual(s) with Donnai-Barrow syndrome (PMID: 25682901). It has also been observed to segregate with disease in related individuals. For these reasons, this variant has been classified as Pathogenic.

Literature cited by the submitters: PubMed 17632512; PubMed 25682901.